The following is an entry in ClinVar:

NM_001303052.2(MYT1L):c.107_108insA (p.Cys36Ter)

Gene: MYT1L (myelin transcription factor 1 like; minus strand). Cytogenetic location: 2p25.3.
Variant type: Insertion.
Coding change: c.107_108insA on transcript NM_001303052.2 (MANE Select); coding-DNA positions 107 to 108, A inserted.
Protein change: p.Cys36Ter; replaces cysteine 36 with a stop codon.
Molecular consequence: nonsense.
Genome position: GRCh38 VCF-style: chr2-1979209-A-AT. GRCh37 (hg19) VCF-style: chr2-1982981-A-AT.
Other names: c.107_108insA, p.Cys36Ter (NM_001329844.2, NM_001329845.1, NM_001329846.3 and 6 more transcripts); short protein forms C36*.
Identifiers: ClinVar variation 5018609 (VCV005018609.1).

ClinVar aggregate classification (germline): Likely pathogenic (1 of 4 stars; one submission).

Conditions:
Intellectual developmental disorder, autosomal dominant 39. Also called: Mental retardation, autosomal dominant 39; Intellectual disability, autosomal dominant 39. Identifiers: MedGen C4225296, MONDO:0014678, OMIM 616521.

Submission:

Juno Genomics, Hangzhou Juno Genomics, Inc
Classification: Likely pathogenic for Intellectual developmental disorder, autosomal dominant 39. Review status: criteria provided, single submitter. Criteria: ACMG Guidelines, 2015. Collection method: clinical testing. Allele origin: germline. Affected: yes.
Comment: Absent from controls (or at extremely low frequency if recessive) in Genome Aggregation Database.;Null variant in a gene where loss of function (LOF) is a known mechanism of disease.